The following is an entry in ClinVar:

NM_019074.4(DLL4):c.1944-1G>C

Gene: DLL4 (delta like canonical Notch ligand 4; plus strand). Cytogenetic location: 15q15.1.
Variant type: single nucleotide variant.
Coding change: c.1944-1G>C on transcript NM_019074.4 (MANE Select); the canonical splice acceptor site of the intron before coding-DNA position 1944, G replaced by C.
Molecular consequence: splice acceptor variant.
Genome position (GRCh38, 1-based): chr15:40,937,417, G>C. VCF-style: chr15-40937417-G-C. GRCh37 (hg19) VCF-style: chr15-41229615-G-C.
Identifiers: ClinVar variation 3252693 (VCV003252693.1), dbSNP rs745994390.

ClinVar aggregate classification (germline): Likely pathogenic (1 of 4 stars; one submission).

Submission:

GeneDx
Classification: Likely pathogenic. Last evaluated: 2024-06-02. Review status: criteria provided, single submitter. Criteria: GeneDx Variant Classification Process June 2021. Collection method: clinical testing. Allele origin: germline. Affected: yes.
Comment: Canonical splice site variant predicted to result in a null allele in a gene for which loss of function is a known mechanism of disease; Not observed at significant frequency in large population cohorts (gnomAD); Has not been previously published as pathogenic or benign to our knowledge